The following is an entry in ClinVar:

NM_000209.4(PDX1):c.318G>T (p.Pro106=)

Gene: PDX1 (pancreatic and duodenal homeobox 1; plus strand). Cytogenetic location: 13q12.2.
Variant type: single nucleotide variant.
Coding change: c.318G>T on transcript NM_000209.4 (MANE Select); coding-DNA position 318, G replaced by T.
Protein change: p.Pro106=; no amino-acid change (proline 106 retained).
Molecular consequence: synonymous variant.
Genome position (GRCh38, 1-based): chr13:27,920,456, G>T. VCF-style: chr13-27920456-G-T. GRCh37 (hg19) VCF-style: chr13-28494593-G-T.
Identifiers: ClinVar variation 36406 (VCV000036406.4), dbSNP rs193922354, ClinGen allele CA325748.
Genomic context (GRCh38, chr13:27,920,456, plus strand): 5'-CCCGGCTCAGCTCGCGCTCCCCCACCCGCCCGCCGGGCCCTTCCCGGAGGGAGCCGAGCC[G>T]GGCGTCCTGGAGGAGCCCAACCGCGTCCAGCTGCCTTTCCCATGGATGAAGTCTACCAAA-3'
Protein context (NP_000200.1, residues 96-116): PAGPFPEGAE[Pro106=]GVLEEPNRVQ

ClinVar aggregate classification (germline): Likely benign (1 of 4 stars; one submission).

Conditions:
Maturity-onset diabetes of the young type 4 (MODY4). Also called: MODY, type IV; Maturity-onset diabetes of the young, type IV. Identifiers: Orphanet 552, MedGen C1833382, MONDO:0011667, OMIM 606392.

Allele frequency attached by ClinVar (database versions not stated): ExAC below 0.00001; TOPMed below 0.00001; gnomAD 0.00001.

Submission:

Women's Health and Genetics/Laboratory Corporation of America, LabCorp
Classification: Likely benign for MODY4. Last evaluated: 2011-08-18. Review status: criteria provided, single submitter. Criteria: LabCorp Variant Classification Summary - May 2015. Collection method: curation, clinical testing. Allele origin: germline. Inheritance: autosomal unknown. Affected: yes.
ClinVar note: Converted during submission from likely benign to Likely benign.